The following is an entry in ClinVar:

NM_000303.3(PMM2):c.421C>T (p.Arg141Cys)

Gene: PMM2 (phosphomannomutase 2; plus strand). Cytogenetic location: 16p13.2.
Variant type: single nucleotide variant.
Coding change: c.421C>T on transcript NM_000303.3 (MANE Select); coding-DNA position 421, C replaced by T.
Protein change: p.Arg141Cys; replaces arginine 141 with cysteine.
Molecular consequence: missense variant.
Genome position (GRCh38, 1-based): chr16:8,811,152, C>T. VCF-style: chr16-8811152-C-T. GRCh37 (hg19) VCF-style: chr16-8905009-C-T.
Other names: short protein forms R141C.
Identifiers: ClinVar variation 550780 (VCV000550780.22), dbSNP rs746610168, ClinGen allele CA7894053.

ClinVar aggregate classification (germline): Conflicting classifications of pathogenicity. Review status: criteria provided, conflicting classifications (1 of 4 stars). 8 submissions from 8 submitters: Pathogenic (2); Likely pathogenic (4); Uncertain significance (1). 1 of the submissions does not count toward it. Last evaluated 2026-09-02.

Conditions:
PMM2-related disorder. Also called: PMM2-related condition.
Inborn genetic diseases. Identifiers: MedGen C0950123, MeSH D030342.
PMM2-congenital disorder of glycosylation. Also called: PMM2-CDG; CARBOHYDRATE-DEFICIENT GLYCOPROTEIN SYNDROME, TYPE Ia; Congenital disorder of glycosylation, type Ia; CDG Ia; JAEKEN SYNDROME; PHOSPHOMANNOMUTASE 2 DEFICIENCY. Identifiers: Orphanet 79318, MedGen C0349653, MONDO:0008907, OMIM 212065.

Allele frequency attached by ClinVar (database versions not stated): TOPMed 0.00003; gnomAD 0.00004 and 0.00003; ExAC 0.00009; gnomAD exomes 0.00002 and 0.00003.

Submissions (8):

GeneDx
Classification: Pathogenic. Last evaluated: 2026-09-02. Review status: criteria provided, single submitter. Criteria: GeneDx Variant Classification Process June 2021. Collection method: clinical testing. Allele origin: germline.
Comment: Reported in a patient with Congenital disorder of Glycosylation type Ia who also harbored an additional missense variant in the PMM2 gene (PMID: 15844218); Published functional studies demonstrate that this variant has a damaging effect on the function of the PMM2 protein (PMID: 15844218); Not observed at significant frequency in large population cohorts (gnomAD); In silico analysis supports that this missense variant has a deleterious effect on protein structure/function; This variant is associated with the following publications: (PMID: 11058895, 26206375, 16540464, 15844218, 11530212, 11517108)

Labcorp Genetics (formerly Invitae), Labcorp
Classification: Pathogenic for PMM2-congenital disorder of glycosylation. Last evaluated: 2026-01-18. Review status: criteria provided, single submitter. Criteria: Invitae Variant Classification Sherloc (09022015). Collection method: clinical testing. Allele origin: germline.
Comment: This sequence change replaces arginine, which is basic and polar, with cysteine, which is neutral and slightly polar, at codon 141 of the PMM2 protein (p.Arg141Cys). The frequency data for this variant in the population databases is considered unreliable, as metrics indicate poor data quality at this position in the gnomAD database. This missense change has been observed in individual(s) with congenital disorder of glycosylation (PMID: 15844218, 40555085). ClinVar contains an entry for this variant (Variation ID: 550780). Invitae Evidence Modeling of protein sequence and biophysical properties (such as structural, functional, and spatial information, amino acid conservation, physicochemical variation, residue mobility, and thermodynamic stability) indicates that this missense variant is expected to disrupt PMM2 protein function with a positive predictive value of 95%. Experimental studies have shown that this missense change affects PMM2 function (PMID: 15844218). This variant disrupts the p.Arg141 amino acid residue in PMM2. Other variant(s) that disrupt this residue have been determined to be pathogenic (PMID: 9497260, 11517108, 19357119, 21541725, 25355454). This suggests that this residue is clinically significant, and that variants that disrupt this residue are likely to be disease-causing. For these reasons, this variant has been classified as Pathogenic.

Natera, Inc.
Classification: Likely pathogenic for Congenital disorder of glycosylation type 1a. Last evaluated: 2025-10-08. Review status: criteria provided, single submitter. Criteria: Natera Variant Classification Schema (03/2026). Collection method: clinical testing. Allele origin: germline.
Comment: The c.421C>T variant in PMM2 is a missense variant predicted to cause substitution of arginine to cysteine at amino acid 141. This variant is rare in the general population with a frequency below the threshold expected for the associated phenotype(s). This variant has been observed in one or more individuals affected with the associated recessive disease, as either homozygous or compound heterozygous with a second variant (PMID: 15844218). A different variant at the same position has been determined to be Pathogenic or Likely Pathogenic. Computational prediction algorithms indicate this variant is likely to affect gene or protein function. Given the available evidence, this variant is classified as Likely Pathogenic.

Women's Health and Genetics/Laboratory Corporation of America, LabCorp
Classification: Likely pathogenic for PMM2-congenital disorder of glycosylation. Last evaluated: 2025-07-15. Review status: criteria provided, single submitter. Criteria: LabCorp Variant Classification Summary - May 2015. Collection method: clinical testing. Allele origin: germline.
Comment: Variant summary: PMM2 c.421C>T (p.Arg141Cys) results in a non-conservative amino acid change in the encoded protein sequence. Algorithms developed to predict the effect of missense changes on protein structure and function all suggest that this variant is likely to be disruptive. The variant allele was found at a frequency of 2.1e-05 in 193568 control chromosomes. c.421C>T has been observed in individual(s) affected with Congenital Disorder Of Glycosylation Type 1a (LeBizec_2005). A different variant affecting the same codon has been classified as likely pathogenic/pathogenic by our lab (c.422G>A, p.Arg141His), supporting the critical relevance of codon 141 to PMM2 protein function. At least one publication reports experimental evidence evaluating an impact on protein function. The most pronounced variant effect results in <10% of normal activity in an E. coli-based expression system (LeBizec_2005). The following publications have been ascertained in the context of this evaluation (PMID: 15844218, 11058895). ClinVar contains an entry for this variant (Variation ID: 550780). Based on the evidence outlined above, the variant was classified as likely pathogenic.

PreventionGenetics, part of Exact Sciences
Classification: Likely pathogenic for PMM2-related condition. Last evaluated: 2025-05-21. Review status: criteria provided, single submitter. Criteria: ACMG Guidelines, 2015. Collection method: clinical testing. Allele origin: germline.
Comment: The PMM2 c.421C>T variant is predicted to result in the amino acid substitution p.Arg141Cys. This variant along with a second variant in this gene has been reported in one family with congenital disorder of glycosylation 1a (Le Bizec et al. 2005. PubMed ID: 15844218). A different variant affecting the same amino acid (p.Arg141His) has been reported to be the most common disease allele for carbohydrate-deficient-glycoprotein syndrome type 1 (Matthijs et al. 1998. PubMed ID: 9497260). This variant is reported in 0.0048% of alleles in individuals of African descent in gnomAD. In ClinVar, this variant has been reported as likely pathogenic/pathogenic. This variant is interpreted as likely pathogenic.

Fulgent Genetics
Classification: Likely pathogenic for PMM2-congenital disorder of glycosylation. Last evaluated: 2024-02-29. Review status: criteria provided, single submitter. Criteria: ACMG Guidelines, 2015. Collection method: clinical testing. Allele origin: germline.

Ambry Genetics
Classification: Uncertain significance for Inborn genetic diseases. Last evaluated: 2022-12-21. Review status: criteria provided, single submitter. Criteria: Ambry Variant Classification Scheme 2023. Collection method: clinical testing. Allele origin: germline.

Counsyl
Classification: Likely pathogenic for PMM2-congenital disorder of glycosylation. Last evaluated: 2017-02-17. Review status: no assertion criteria provided. Collection method: clinical testing. Allele origin: unknown. Not counted in ClinVar's aggregate classification.

Literature cited by the submitters: PubMed 15844218 (cited by 5 submitters); PubMed 40555085 (cited by Labcorp Genetics (formerly Invitae), Labcorp); PubMed 9497260 (cited by Labcorp Genetics (formerly Invitae), Labcorp); PubMed 11517108 (cited by Labcorp Genetics (formerly Invitae), Labcorp); PubMed 19357119 (cited by Labcorp Genetics (formerly Invitae), Labcorp); PubMed 21541725 (cited by Labcorp Genetics (formerly Invitae), Labcorp); PubMed 25355454 (cited by Labcorp Genetics (formerly Invitae), Labcorp); PubMed 11058895 (cited by Women's Health and Genetics/Laboratory Corporation of America, LabCorp); PubMed 16540464 (cited by Counsyl); PubMed 26206375 (cited by Counsyl).